The following is an entry in ClinVar:

NC_000019.9:g.(?_11105494)_(11172492_?)dup

Gene: SMARCA4 (SWI/SNF related BAF chromatin remodeling complex subunit ATPase 4; plus strand). Cytogenetic location: 19p13.2.
Variant type: Duplication.
Identifiers: ClinVar variation 2423780 (VCV002423780.4).

ClinVar aggregate classification (germline): Uncertain significance (1 of 4 stars; one submission).

Conditions:
Rhabdoid tumor predisposition syndrome 2 (RTPS2). Identifiers: Orphanet 231108, Orphanet 69077, MedGen C2750074, MONDO:0013224, OMIM 613325.

Submission:

Labcorp Genetics (formerly Invitae), Labcorp
Classification: Uncertain significance for Rhabdoid tumor predisposition syndrome 2. Last evaluated: 2022-03-10. Review status: criteria provided, single submitter. Criteria: Invitae Variant Classification Sherloc (09022015). Collection method: clinical testing. Allele origin: germline.
Comment: In summary, the available evidence is currently insufficient to determine the role of this variant in disease. Therefore, it has been classified as a Variant of Uncertain Significance. Experimental studies and prediction algorithms are not available or were not evaluated, and the functional significance of this variant is currently unknown. This variant has not been reported in the literature in individuals affected with SMARCA4-related conditions. This variant results in a copy number gain of the genomic region encompassing exon(s) 9-36 of the SMARCA4 gene. This region includes the termination codon of the gene. This copy number gain extends beyond the assayed region for this gene and therefore may encompass additional genes. As the precise location of this event is unknown, it may be in tandem or it may be located elsewhere in the genome.